The following is an entry in ClinVar:

ClinVar aggregate classification (germline): Uncertain significance (1 of 4 stars; one submission).

Conditions:
Hereditary cancer-predisposing syndrome. Also called: Neoplastic Syndromes, Hereditary; Tumor predisposition; Hereditary Cancer Syndrome; Hereditary neoplastic syndrome. Identifiers: Orphanet 140162, MedGen C0027672, MeSH D009386, MONDO:0015356.

Allele frequency attached by ClinVar (database versions not stated): gnomAD exomes below 0.00001.
gnomAD v4.1: 1 of 1,614,068 alleles (0.000062%); highest among the groups gnomAD compares: South Asian, 0.0011%; no homozygotes.

Submission:

Ambry Genetics
Classification: Uncertain significance for Hereditary cancer-predisposing syndrome. Last evaluated: 2021-07-06. Review status: criteria provided, single submitter. Criteria: Ambry Variant Classification Scheme 2023. Collection method: clinical testing. Allele origin: germline.
Comment: The p.K1349R variant (also known as c.4046A>G), located in coding exon 20 of the DICER1 gene, results from an A to G substitution at nucleotide position 4046. The lysine at codon 1349 is replaced by arginine, an amino acid with highly similar properties. This amino acid position is highly conserved in available vertebrate species. In addition, the in silico prediction for this alteration is inconclusive. Since supporting evidence is limited at this time, the clinical significance of this alteration remains unclear.

NM_177438.3(DICER1):c.4046A>G (p.Lys1349Arg)

Gene: DICER1 (dicer 1, ribonuclease III; minus strand). Cytogenetic location: 14q32.13.
Variant type: single nucleotide variant.
Coding change: c.4046A>G on transcript NM_177438.3 (MANE Select); coding-DNA position 4046, A replaced by G.
Protein change: p.Lys1349Arg; replaces lysine 1349 with arginine.
Molecular consequence: missense variant. On other transcripts: non-coding transcript variant (6).
Genome position (GRCh38, 1-based): chr14:95,103,350, T>C on the plus strand (A>G on the coding strand, the complement: DICER1 is on the minus strand). VCF-style: chr14-95103350-T-C. GRCh37 (hg19) VCF-style: chr14-95569687-T-C.
Other names: c.4046A>G, p.Lys1349Arg (NM_001195573.1, NM_001271282.3, NM_001291628.2 and 13 more transcripts); c.3764A>G, p.Lys1255Arg (NM_001395686.1); c.3641A>G, p.Lys1214Arg (NM_001395687.1, NM_001395688.1, NM_001395689.1 and 2 more transcripts); c.3479A>G, p.Lys1160Arg (NM_001395691.1); c.2363A>G, p.Lys788Arg (NM_001395697.1); short protein forms K1160R, K788R, K1214R, K1349R, K1255R.
Identifiers: ClinVar variation 1737320 (VCV001737320.2), dbSNP rs2542683214, ClinGen allele CA390872880.